The following is an entry in ClinVar:

NM_006059.4(LAMC3):c.2844C>G (p.Asp948Glu)

Gene: LAMC3 (laminin subunit gamma 3; plus strand). Cytogenetic location: 9q34.12.
Variant type: single nucleotide variant.
Coding change: c.2844C>G on transcript NM_006059.4 (MANE Select); coding-DNA position 2844, C replaced by G.
Protein change: p.Asp948Glu; replaces aspartic acid 948 with glutamic acid.
Molecular consequence: missense variant.
Genome position (GRCh38, 1-based): chr9:131,069,004, C>G. VCF-style: chr9-131069004-C-G. GRCh37 (hg19) VCF-style: chr9-133944391-C-G.
Other names: c.2844C>G (NM_006059.3); short protein forms D948E.
Identifiers: ClinVar variation 1948889 (VCV001948889.7), dbSNP rs750019666, ClinGen allele CA5287591.

ClinVar aggregate classification (germline): Uncertain significance. Review status: criteria provided, multiple submitters, no conflicts (2 of 4 stars). 3 submissions from 3 submitters: Uncertain significance (3). Last evaluated 2025-08-27.

Conditions:
Inborn genetic diseases. Identifiers: MedGen C0950123, MeSH D030342.

Allele frequency attached by ClinVar (database versions not stated): ExAC 0.00001; gnomAD 0.00001; TOPMed 0.00001.
gnomAD v4.1: 3 of 1,613,994 alleles (0.00019%); highest among the groups gnomAD compares: Middle Eastern, 0.017%; no homozygotes.

Submissions (3):

Ambry Genetics
Classification: Uncertain significance for Inborn genetic diseases. Last evaluated: 2025-08-27. Review status: criteria provided, single submitter. Criteria: Ambry Variant Classification Scheme 2023. Collection method: clinical testing. Allele origin: germline.

Labcorp Genetics (formerly Invitae), Labcorp
Classification: Uncertain significance. Last evaluated: 2022-05-25. Review status: criteria provided, single submitter. Criteria: Invitae Variant Classification Sherloc (09022015). Collection method: clinical testing. Allele origin: germline.
Comment: In summary, the available evidence is currently insufficient to determine the role of this variant in disease. Therefore, it has been classified as a Variant of Uncertain Significance. Algorithms developed to predict the effect of missense changes on protein structure and function are either unavailable or do not agree on the potential impact of this missense change (SIFT: "Deleterious"; PolyPhen-2: "Benign"; Align-GVGD: "Class C0"). This variant has not been reported in the literature in individuals affected with LAMC3-related conditions. This variant is present in population databases (rs750019666, gnomAD 0.002%). This sequence change replaces aspartic acid, which is acidic and polar, with glutamic acid, which is acidic and polar, at codon 948 of the LAMC3 protein (p.Asp948Glu).

Breakthrough Genomics
Classification: Uncertain significance. Review status: criteria provided, single submitter. Criteria: ACMG Guidelines, 2015. Collection method: not provided. Allele origin: germline. Inheritance: Autosomal recessive inheritance. Affected: yes.